The following is an entry in ClinVar:

NM_023036.6(DNAI2):c.618del (p.Asn207fs)

Gene: DNAI2 (dynein axonemal intermediate chain 2; plus strand). Cytogenetic location: 17q25.1.
Variant type: Deletion.
Coding change: c.618del on transcript NM_023036.6 (MANE Select); coding-DNA position 618, one base deleted (C; older notation c.618delC).
Protein change: p.Asn207fs; shifts the reading frame from asparagine 207.
Molecular consequence: frameshift variant. On other transcripts: non-coding transcript variant (1).
Genome position (GRCh38, 1-based): chr17:74,291,027, C deleted; the last of 4 consecutive C bases (chr17:74,291,024-74,291,027); deleting any one gives the same sequence. VCF-style (leftmost placement, unchanged base first): chr17-74291023-AC-A. GRCh37 (hg19) VCF-style: chr17-72287162-AC-A.
Other names: c.618del, p.Asn207fs (NM_001172810.3, NM_001353167.2); short protein forms N207fs.
Identifiers: ClinVar variation 2979923 (VCV002979923.3), dbSNP rs773436223, ClinGen allele CA8745430.

ClinVar aggregate classification (germline): Pathogenic (1 of 4 stars; one submission).

Conditions:
Primary ciliary dyskinesia. Also called: Ciliary dyskinesia. Identifiers: Orphanet 244, MedGen C0008780, MONDO:0016575, HP:0012265.

Submission:

Labcorp Genetics (formerly Invitae), Labcorp
Classification: Pathogenic for Primary ciliary dyskinesia. Last evaluated: 2024-01-30. Review status: criteria provided, single submitter. Criteria: Invitae Variant Classification Sherloc (09022015). Collection method: clinical testing. Allele origin: germline.
Comment: This sequence change creates a premature translational stop signal (p.Asn207Thrfs*7) in the DNAI2 gene. It is expected to result in an absent or disrupted protein product. Loss-of-function variants in DNAI2 are known to be pathogenic (PMID: 18950741, 23891469). This variant is present in population databases (rs773436223, gnomAD 0.007%). This variant has not been reported in the literature in individuals affected with DNAI2-related conditions. For these reasons, this variant has been classified as Pathogenic.

Literature cited by the submitters: PubMed 18950741; PubMed 23891469.